The following is an entry in ClinVar:

NC_000023.10:g.(?_9707852)_(9714100_?)del

Gene: GPR143 (G protein-coupled receptor 143; minus strand). Cytogenetic location: Xp22.2.
Variant type: Deletion.
Identifiers: ClinVar variation 2422767 (VCV002422767.3).

ClinVar aggregate classification (germline): Pathogenic (1 of 4 stars; one submission).

Submission:

Labcorp Genetics (formerly Invitae), Labcorp
Classification: Pathogenic. Last evaluated: 2022-06-01. Review status: criteria provided, single submitter. Criteria: Invitae Variant Classification Sherloc (09022015). Collection method: clinical testing. Allele origin: germline.
Comment: For these reasons, this variant has been classified as Pathogenic. This variant disrupts a region of the GPR143 protein in which other variant(s) (p.Glu233Lys) have been determined to be pathogenic (Invitae). This suggests that this is a clinically significant region of the protein, and that variants that disrupt it are likely to be disease-causing. This variant has been observed in individual(s) with clinical features of GPR143-related conditions (Invitae). This variant results in the deletion of exons 6-7 and part of exon 5 (c.643_886-94delins25) of the GPR143 gene. It is expected to disrupt RNA splicing. Variants that disrupt the donor or acceptor splice site typically lead to a loss of protein function (PMID: 16199547), and loss-of-function variants in GPR143 are known to be pathogenic (PMID: 15965158, 18978956, 19390656, 21541274, 26160353, 28211458).

Literature cited by the submitters: PubMed 16199547; PubMed 15965158; PubMed 18978956; PubMed 19390656; PubMed 21541274; PubMed 26160353; PubMed 28211458.